The following is an entry in ClinVar:

NM_000037.4(ANK1):c.2912T>A (p.Leu971Gln)

Gene: ANK1 (ankyrin 1; minus strand). Cytogenetic location: 8p11.21.
Variant type: single nucleotide variant.
Coding change: c.2912T>A on transcript NM_000037.4 (MANE Select); coding-DNA position 2912, T replaced by A.
Protein change: p.Leu971Gln; replaces leucine 971 with glutamine.
Molecular consequence: missense variant.
Genome position (GRCh38, 1-based): chr8:41,696,411, A>T on the plus strand (T>A on the coding strand, the complement: ANK1 is on the minus strand). VCF-style: chr8-41696411-A-T. GRCh37 (hg19) VCF-style: chr8-41553929-A-T.
Other names: p.Leu971Gln; c.3035T>A, p.Leu1012Gln (NM_001142446.2); c.2912T>A, p.Leu971Gln (NM_020475.3, NM_020476.3, NM_020477.3); short protein forms L1012Q, L971Q.
Identifiers: ClinVar variation 2683013 (VCV002683013.1), dbSNP rs2486783321, ClinGen allele CA371061996.
Genomic context (GRCh38, chr8:41,696,411, plus strand): 5'-GCGCAAGCTCACCTCAGGAACTGTGCCCCCGTGGGCCCCAGTGCTATGATCCTGCTGGCC[A>T]GGCCCTCCTCCTCGGCCAGTGGGGGCGGCGTGCTGAGCTTCTGGGGCTTGACCAGGCGGC-3'
Protein context (NP_000028.3, residues 961-981): TPPPLAEEEG[Leu971Gln]ASRIIALGPT

ClinVar aggregate classification (germline): Uncertain significance (1 of 4 stars; one submission).

Submission:

Mayo Clinic Laboratories, Mayo Clinic
Classification: Uncertain significance. Last evaluated: 2023-06-02. Review status: criteria provided, single submitter. Criteria: ACMG Guidelines, 2015. Collection method: clinical testing. Allele origin: germline. Observed: 1 variant allele.
Comment: PP3, PM2